The following is an entry in ClinVar:

ClinVar aggregate classification (germline): Conflicting classifications of pathogenicity. Review status: criteria provided, conflicting classifications (1 of 4 stars). 2 submissions from 2 submitters: Uncertain significance (1); Likely benign (1). Last evaluated 2024-10-14.

Conditions:
Hereditary diffuse gastric adenocarcinoma (HDGC). Also called: DIFFUSE GASTRIC AND LOBULAR BREAST CANCER SYNDROME. Identifiers: Orphanet 26106, MedGen C1708349, MONDO:0007648, OMIM 137215.

gnomAD v4.1: 1 of 1,610,664 alleles (0.000062%); highest among the groups gnomAD compares: Non-Finnish European, 0.000085%; no homozygotes.

Submissions (2):

Myriad Genetics, Inc.
Classification: Likely benign for Hereditary diffuse gastric adenocarcinoma. Last evaluated: 2024-10-14. Review status: criteria provided, single submitter. Criteria: Myriad Autosomal Dominant, Autosomal Recessive and X-Linked Classification Criteria (2023). Collection method: clinical testing. Allele origin: unknown.
Comment: This variant is considered likely benign. This variant is intronic and is not expected to impact mRNA splicing.

Labcorp Genetics (formerly Invitae), Labcorp
Classification: Uncertain significance. Last evaluated: 2022-05-14. Review status: criteria provided, single submitter. Criteria: Invitae Variant Classification Sherloc (09022015). Collection method: clinical testing. Allele origin: germline.
Comment: This sequence change falls in intron 15 of the CTNNA1 gene. It does not directly change the encoded amino acid sequence of the CTNNA1 protein. It affects a nucleotide within the consensus splice site. In summary, the available evidence is currently insufficient to determine the role of this variant in disease. Therefore, it has been classified as a Variant of Uncertain Significance. Variants that disrupt the consensus splice site are a relatively common cause of aberrant splicing (PMID: 17576681, 9536098). Algorithms developed to predict the effect of sequence changes on RNA splicing suggest that this variant is not likely to affect RNA splicing. ClinVar contains an entry for this variant (Variation ID: 1064202). This variant has not been reported in the literature in individuals affected with CTNNA1-related conditions. This variant is not present in population databases (gnomAD no frequency).

Literature cited by the submitters: PubMed 17576681 (cited by Labcorp Genetics (formerly Invitae), Labcorp); PubMed 9536098 (cited by Labcorp Genetics (formerly Invitae), Labcorp).

NM_001903.5(CTNNA1):c.2192+3G>A

Gene: CTNNA1 (catenin alpha 1; plus strand). Cytogenetic location: 5q31.2.
Variant type: single nucleotide variant.
Coding change: c.2192+3G>A on transcript NM_001903.5 (MANE Select); 3 bases into the intron after coding-DNA position 2192, G replaced by A.
Molecular consequence: intron variant.
Genome position (GRCh38, 1-based): chr5:138,930,657, G>A. VCF-style: chr5-138930657-G-A. GRCh37 (hg19) VCF-style: chr5-138266346-G-A.
Other names: c.2192+3G>A (NM_001323983.1, NM_001323982.2, NM_001323984.2 and 2 more transcripts); c.1082+3G>A (NM_001323996.1, NM_001323993.1, NM_001324005.1 and 17 more transcripts); c.2099+3G>A (NM_001323986.2); c.1823+3G>A (NM_001290310.3); c.1883+3G>A (NM_001290309.3); c.743+3G>A (NM_001324008.1, NM_001324010.1, NM_001324006.1 and 2 more transcripts); c.839+3G>A (NM_001324012.1, NM_001324013.1); c.989+3G>A (NM_001324011.1).
Identifiers: ClinVar variation 1064202 (VCV001064202.8), dbSNP rs2150335339, ClinGen allele CA2499217667.